The following is an entry in ClinVar:

NM_201384.3(PLEC):c.6538C>T (p.Gln2180Ter)

Gene: PLEC (plectin; minus strand). Cytogenetic location: 8q24.3.
Variant type: single nucleotide variant.
Coding change: c.6538C>T on transcript NM_201384.3 (MANE Select); coding-DNA position 6538, C replaced by T.
Protein change: p.Gln2180Ter; replaces glutamine 2180 with a stop codon.
Molecular consequence: nonsense. On other transcripts: intron variant (1).
Genome position (GRCh38, 1-based): chr8:143,923,391, G>A on the plus strand (C>T on the coding strand, the complement: PLEC is on the minus strand). VCF-style: chr8-143923391-G-A. GRCh37 (hg19) VCF-style: chr8-144997559-G-A.
Other names: c.6619C>T, p.Gln2207Ter (NM_000445.5); c.6496C>T, p.Gln2166Ter (NM_201378.4); c.6472C>T, p.Gln2158Ter (NM_201379.3); c.6949C>T, p.Gln2317Ter (NM_201380.4); c.6442C>T, p.Gln2148Ter (NM_201381.3); c.6538C>T, p.Gln2180Ter (NM_201382.4); c.6550C>T, p.Gln2184Ter (NM_201383.3); c.4126-996C>T (NM_001410941.1); short protein forms Q2148*, Q2158*, Q2166*, Q2180*, Q2184*, Q2207*, Q2317*.
Identifiers: ClinVar variation 3750322 (VCV003750322.2).

ClinVar aggregate classification (germline): Pathogenic (1 of 4 stars; one submission).

Conditions:
Epidermolysis bullosa simplex with nail dystrophy (EBS5D). Identifiers: MedGen C4225309, MONDO:0014661, OMIM 616487.
Autosomal recessive limb-girdle muscular dystrophy type 2Q (LGMDR17). Also called: MUSCULAR DYSTROPHY, LIMB-GIRDLE, AUTOSOMAL RECESSIVE 17. Identifiers: Orphanet 254361, MedGen C3150989, MONDO:0013390, OMIM 613723.
Epidermolysis bullosa simplex 5B, with muscular dystrophy (EBS5B). Also called: Epidermolysis bullosa simplex with muscular dystrophy; EPIDERMOLYSIS BULLOSA SIMPLEX AND LIMB-GIRDLE MUSCULAR DYSTROPHY. Identifiers: Orphanet 257, MedGen C2931072, MONDO:0009181, OMIM 226670.
Epidermolysis bullosa simplex 5C, with pyloric atresia (EBS5C). Also called: PLEC-Related Epidermolysis Bullosa with Pyloric Atresia; Epidermolysis bullosa simplex with pyloric atresia; PLEC1-Related Epidermolysis Bullosa with Pyloric Atresia. Identifiers: Orphanet 158684, MedGen C2677349, MONDO:0012807, OMIM 612138.
Epidermolysis bullosa simplex, Ogna type (EBS5A). Also called: Pidermolysis bullosa simplex 5A, Ogna type; EPIDERMOLYSIS BULLOSA SIMPLEX 5A, OGNA TYPE. Identifiers: Orphanet 79401, MedGen C0432317, MONDO:0007555, OMIM 131950.

gnomAD v4.1: 1 of 1,610,612 alleles (0.000062%); highest among the groups gnomAD compares: South Asian, 0.0011%; no homozygotes.

Submission:

Labcorp Genetics (formerly Invitae), Labcorp
Classification: Pathogenic for Autosomal recessive limb-girdle muscular dystrophy type 2Q; Epidermolysis bullosa simplex, Ogna type; Epidermolysis bullosa simplex with nail dystrophy; Epidermolysis bullosa simplex 5C, with pyloric atresia; Epidermolysis bullosa simplex 5B, with muscular dystrophy. Last evaluated: 2024-04-25. Review status: criteria provided, single submitter. Criteria: Invitae Variant Classification Sherloc (09022015). Collection method: clinical testing. Allele origin: germline.
Comment: This sequence change creates a premature translational stop signal (p.Gln2207*) in the PLEC gene. It is expected to result in an absent or disrupted protein product. Loss-of-function variants in PLEC are known to be pathogenic (PMID: 20301336, 20447487, 21109228, 23289980, 28824526). This variant is not present in population databases (gnomAD no frequency). This premature translational stop signal has been observed in individual(s) with clinical features of epidermolysis bullosa (PMID: 35579050). For these reasons, this variant has been classified as Pathogenic.

Literature cited by the submitters: PubMed 20301336; PubMed 20447487; PubMed 21109228; PubMed 23289980; PubMed 28824526; PubMed 35579050.